The following is an entry in ClinVar:

ClinVar aggregate classification (germline): Uncertain significance (1 of 4 stars; one submission).

gnomAD v4.1: 16 of 1,614,046 alleles (0.00099%); highest among the groups gnomAD compares: African/African-American, 0.0027%; no homozygotes.

Submission:

GeneDx
Classification: Uncertain significance. Last evaluated: 2025-03-12. Review status: criteria provided, single submitter. Criteria: GeneDx Variant Classification Process June 2021. Collection method: clinical testing. Allele origin: germline. Affected: yes.
Comment: Not observed at significant frequency in large population cohorts (gnomAD); In silico analysis supports that this missense variant has a deleterious effect on protein structure/function; Identified de novo in an individual with developmental delay who also harbored two other potential de novo variants in different genes (PMID: 33057194); This variant is associated with the following publications: (PMID: 33057194, 35982159)

NM_052865.4(MGME1):c.925A>G (p.Met309Val)

Gene: MGME1 (mitochondrial genome maintenance exonuclease 1; plus strand). Cytogenetic location: 20p11.23.
Variant type: single nucleotide variant.
Coding change: c.925A>G on transcript NM_052865.4 (MANE Select); coding-DNA position 925, A replaced by G.
Protein change: p.Met309Val; replaces methionine 309 with valine.
Molecular consequence: missense variant.
Genome position (GRCh38, 1-based): chr20:17,989,999, A>G. VCF-style: chr20-17989999-A-G. GRCh37 (hg19) VCF-style: chr20-17970642-A-G.
Other names: c.970A>G, p.Met324Val (NM_001310338.2); c.572A>G, p.His191Arg (NM_001310339.2); c.685A>G, p.Met229Val (NM_001363738.2); short protein forms H191R, M229V, M309V, M324V.
Identifiers: ClinVar variation 4082570 (VCV004082570.1).